The following is an entry in ClinVar:

ClinVar aggregate classification (germline): Uncertain significance (1 of 4 stars; one submission).

Allele frequency attached by ClinVar (database versions not stated): gnomAD exomes below 0.00001.
gnomAD v4.1: 4 of 1,210,740 alleles (0.00033%); highest among the groups gnomAD compares: Non-Finnish European, 0.00045%; no homozygotes.

Submission:

Labcorp Genetics (formerly Invitae), Labcorp
Classification: Uncertain significance. Last evaluated: 2026-01-13. Review status: criteria provided, single submitter. Criteria: Invitae Variant Classification Sherloc (09022015). Collection method: clinical testing. Allele origin: germline.
Comment: This sequence change replaces histidine, which is basic and polar, with arginine, which is basic and polar, at codon 718 of the DRP2 protein (p.His718Arg). This variant is not present in population databases (gnomAD no frequency). This variant has not been reported in the literature in individuals affected with DRP2-related conditions. ClinVar contains an entry for this variant (Variation ID: 2703496). Invitae Evidence Modeling of protein sequence and biophysical properties (such as structural, functional, and spatial information, amino acid conservation, physicochemical variation, residue mobility, and thermodynamic stability) indicates that this missense variant is expected to disrupt DRP2 protein function with a positive predictive value of 80%. In summary, the available evidence is currently insufficient to determine the role of this variant in disease. Therefore, it has been classified as a Variant of Uncertain Significance.

NM_001939.3(DRP2):c.2153A>G (p.His718Arg)

Gene: DRP2 (dystrophin related protein 2; plus strand). Cytogenetic location: Xq22.1.
Variant type: single nucleotide variant.
Coding change: c.2153A>G on transcript NM_001939.3 (MANE Select); coding-DNA position 2153, A replaced by G.
Protein change: p.His718Arg; replaces histidine 718 with arginine.
Molecular consequence: missense variant.
Genome position (GRCh38, 1-based): chrX:101,254,897, A>G. VCF-style: chrX-101254897-A-G. GRCh37 (hg19) VCF-style: chrX-100509886-A-G.
Other names: c.1919A>G, p.His640Arg (NM_001171184.2); short protein forms H718R, H640R.
Identifiers: ClinVar variation 2703496 (VCV002703496.3), dbSNP rs2520288840, ClinGen allele CA413935704.
Genomic context (GRCh38, chrX:101,254,897, plus strand): 5'-AGTCTTTGCTGCTTTCTTCTAGGCCGGCTTCTTCCCCGATGTGGCCACACGCCGACACAC[A>G]CTCCCGAATTGAGCATTTTGCCAGCAGGTACCACCAGGTTTGCGGGAGGTGGGTAGGAGC-3'
Protein context (NP_001930.2, residues 708-728): SSPMWPHADT[His718Arg]SRIEHFASRL